The following is an entry in ClinVar:

NM_001267550.2(TTN):c.25720G>A (p.Gly8574Ser)

Gene: TTN (titin; minus strand). Cytogenetic location: 2q31.2.
Variant type: single nucleotide variant.
Coding change: c.25720G>A on transcript NM_001267550.2 (MANE Select); coding-DNA position 25720, G replaced by A.
Protein change: p.Gly8574Ser; replaces glycine 8574 with serine.
Molecular consequence: missense variant. On other transcripts: intron variant (3).
Genome position (GRCh38, 1-based): chr2:178,715,694, C>T on the plus strand (G>A on the coding strand, the complement: TTN is on the minus strand). VCF-style: chr2-178715694-C-T. GRCh37 (hg19) VCF-style: chr2-179580421-C-T.
Other names: c.24769G>A, p.Gly8257Ser (NM_001256850.1); c.21988G>A, p.Gly7330Ser (NM_133378.4); c.13282+22388G>A (NM_003319.4); c.13858+22388G>A (NM_133437.4); c.13657+22388G>A (NM_133432.3); short protein forms G7330S, G8257S, G8574S.
Identifiers: ClinVar variation 2573850 (VCV002573850.1), dbSNP rs752013701, ClinGen allele CA2000153.

ClinVar aggregate classification (germline): Uncertain significance (1 of 4 stars; one submission).

Allele frequency attached by ClinVar (database versions not stated): ExAC 0.00001; TOPMed 0.00002; gnomAD 0.00003.
gnomAD v4.1: 9 of 1,609,772 alleles (0.00056%); highest among the groups gnomAD compares: African/African-American, 0.0067%; no homozygotes.

Submission:

GeneDx
Classification: Uncertain significance. Last evaluated: 2023-01-19. Review status: criteria provided, single submitter. Criteria: GeneDx Variant Classification Process June 2021. Collection method: clinical testing. Allele origin: germline. Affected: yes.
Comment: Not observed at significant frequency in large population cohorts (gnomAD); Missense variant in a gene in which most reported pathogenic variants are truncating/loss of function; Has not been previously published as pathogenic or benign to our knowledge